The following is an entry in ClinVar:

ClinVar aggregate classification (germline): Pathogenic (1 of 4 stars; one submission).

Conditions:
Duchenne muscular dystrophy (DMD). Also called: MUSCULAR DYSTROPHY, PSEUDOHYPERTROPHIC PROGRESSIVE, DUCHENNE TYPE; Duchenne Muscular Dystrophy (DMD). Identifiers: Orphanet 98896, MedGen C0013264, MONDO:0010679, OMIM 310200.

Submission:

Labcorp Genetics (formerly Invitae), Labcorp
Classification: Pathogenic for Duchenne muscular dystrophy. Last evaluated: 2023-05-15. Review status: criteria provided, single submitter. Criteria: Invitae Variant Classification Sherloc (09022015). Collection method: clinical testing. Allele origin: germline.
Comment: For these reasons, this variant has been classified as Pathogenic. ClinVar contains an entry for this variant (Variation ID: 2042011). This premature translational stop signal has been observed in individual(s) with Duchenne muscular dystrophy (PMID: 19937601). This variant is not present in population databases (gnomAD no frequency). This sequence change creates a premature translational stop signal (p.Trp1075*) in the DMD gene. It is expected to result in an absent or disrupted protein product. Loss-of-function variants in DMD are known to be pathogenic (PMID: 16770791, 25007885).

Literature cited by the submitters: PubMed 19937601; PubMed 16770791; PubMed 25007885.

NM_004006.3(DMD):c.3225G>A (p.Trp1075Ter)

Gene: DMD (dystrophin; minus strand). Cytogenetic location: Xp21.1.
Variant type: single nucleotide variant.
Coding change: c.3225G>A on transcript NM_004006.3 (MANE Select); coding-DNA position 3225, G replaced by A.
Protein change: p.Trp1075Ter; replaces tryptophan 1075 with a stop codon.
Molecular consequence: nonsense.
Genome position (GRCh38, 1-based): chrX:32,464,637, C>T on the plus strand (G>A on the coding strand, the complement: DMD is on the minus strand). VCF-style: chrX-32464637-C-T. GRCh37 (hg19) VCF-style: chrX-32482754-C-T.
Other names: c.3201G>A, p.Trp1067Ter (NM_000109.4); c.3213G>A, p.Trp1071Ter (NM_004009.3); c.2856G>A, p.Trp952Ter (NM_004010.3); short protein forms W1067*, W1071*, W952*, W1075*.
Identifiers: ClinVar variation 2042011 (VCV002042011.4), dbSNP rs2524537401, ClinGen allele CA412664891.
Genomic context (GRCh38, chrX:32,464,637, plus strand): 5'-AAATCTTACTCTGCACTGTTTCAGCTGCTTTTTTAGAATTTCTGAATCCCCAAGGGCAGG[C>T]CATTCCTCCTTCAGAAAAACATCAACTTCAGCCATCCATTTCTTCAGGGTTTGTATGTGA-3'